The following is an entry in ClinVar:

NM_006231.4(POLE):c.1973A>T (p.Lys658Met)

Gene: POLE (DNA polymerase epsilon, catalytic subunit; minus strand). Cytogenetic location: 12q24.33.
Variant type: single nucleotide variant.
Coding change: c.1973A>T on transcript NM_006231.4 (MANE Select); coding-DNA position 1973, A replaced by T.
Protein change: p.Lys658Met; replaces lysine 658 with methionine.
Molecular consequence: missense variant.
Genome position (GRCh38, 1-based): chr12:132,668,688, T>A on the plus strand (A>T on the coding strand, the complement: POLE is on the minus strand). VCF-style: chr12-132668688-T-A. GRCh37 (hg19) VCF-style: chr12-133245274-T-A.
Other names: short protein forms K658M.
Identifiers: ClinVar variation 968002 (VCV000968002.13), dbSNP rs199890659, ClinGen allele CA246289100.

ClinVar aggregate classification (germline): Uncertain significance. Review status: criteria provided, multiple submitters, no conflicts (2 of 4 stars). 2 submissions from 2 submitters: Uncertain significance (2). Last evaluated 2024-03-25.

Conditions:
Hereditary cancer-predisposing syndrome. Also called: Hereditary neoplastic syndrome; Neoplastic Syndromes, Hereditary; Hereditary Cancer Syndrome; Tumor predisposition. Identifiers: Orphanet 140162, MedGen C0027672, MeSH D009386, MONDO:0015356.

Submissions (2):

Ambry Genetics
Classification: Uncertain significance for Hereditary cancer-predisposing syndrome. Last evaluated: 2024-03-25. Review status: criteria provided, single submitter. Criteria: Ambry Variant Classification Scheme 2023. Collection method: clinical testing. Allele origin: germline.
Comment: The p.K658M variant (also known as c.1973A>T), located in coding exon 18 of the POLE gene, results from an A to T substitution at nucleotide position 1973. The lysine at codon 658 is replaced by methionine, an amino acid with similar properties. This amino acid position is conserved. In addition, this alteration is predicted to be tolerated by in silico analysis. Since supporting evidence is limited at this time, the clinical significance of this alteration remains unclear.

Labcorp Genetics (formerly Invitae), Labcorp
Classification: Uncertain significance. Last evaluated: 2023-06-15. Review status: criteria provided, single submitter. Criteria: Invitae Variant Classification Sherloc (09022015). Collection method: clinical testing. Allele origin: germline.
Comment: This variant is not present in population databases (gnomAD no frequency). This sequence change replaces lysine, which is basic and polar, with methionine, which is neutral and non-polar, at codon 658 of the POLE protein (p.Lys658Met). This variant has not been reported in the literature in individuals affected with POLE-related conditions. In summary, the available evidence is currently insufficient to determine the role of this variant in disease. Therefore, it has been classified as a Variant of Uncertain Significance. Advanced modeling of protein sequence and biophysical properties (such as structural, functional, and spatial information, amino acid conservation, physicochemical variation, residue mobility, and thermodynamic stability) performed at Invitae indicates that this missense variant is expected to disrupt POLE protein function. ClinVar contains an entry for this variant (Variation ID: 968002).